The following is an entry in ClinVar:

ClinVar aggregate classification (germline): Uncertain significance (1 of 4 stars; one submission).

Conditions:
Myasthenic syndrome, congenital, 22 (CMS22). Also called: PREPL DEFICIENCY. Identifiers: MedGen C4479088, MONDO:0044299, OMIM 616224.

Submission:

Labcorp Genetics (formerly Invitae), Labcorp
Classification: Uncertain significance for Myasthenic syndrome, congenital, 22. Last evaluated: 2022-08-31. Review status: criteria provided, single submitter. Criteria: Invitae Variant Classification Sherloc (09022015). Collection method: clinical testing. Allele origin: germline.
Comment: Algorithms developed to predict the effect of missense changes on protein structure and function are either unavailable or do not agree on the potential impact of this missense change (SIFT: "Tolerated"; PolyPhen-2: "Possibly Damaging"; Align-GVGD: "Class C0"). In summary, the available evidence is currently insufficient to determine the role of this variant in disease. Therefore, it has been classified as a Variant of Uncertain Significance. This variant has not been reported in the literature in individuals affected with PREPL-related conditions. This variant is not present in population databases (gnomAD no frequency). This sequence change replaces proline, which is neutral and non-polar, with serine, which is neutral and polar, at codon 401 of the PREPL protein (p.Pro401Ser).

NM_001171613.2(PREPL):c.934C>T (p.Pro312Ser)

Gene: PREPL (prolyl endopeptidase like; minus strand). Cytogenetic location: 2p21.
Variant type: single nucleotide variant.
Coding change: c.934C>T on transcript NM_001171613.2 (MANE Select); coding-DNA position 934, C replaced by T.
Protein change: p.Pro312Ser; replaces proline 312 with serine.
Molecular consequence: missense variant. On other transcripts: intron variant (1).
Genome position (GRCh38, 1-based): chr2:44,332,611, G>A on the plus strand (C>T on the coding strand, the complement: PREPL is on the minus strand). VCF-style: chr2-44332611-G-A. GRCh37 (hg19) VCF-style: chr2-44559750-G-A.
Other names: c.1015C>T, p.Pro339Ser (NM_001042385.2); c.1201C>T, p.Pro401Ser (NM_001171603.1, NM_001171606.2, NM_001374275.1 and 2 more transcripts); c.934C>T, p.Pro312Ser (NM_001171617.1, NM_001374277.1); c.1156-3499C>T (NM_001042386.2); short protein forms P339S, P312S, P401S.
Identifiers: ClinVar variation 2062133 (VCV002062133.4), dbSNP rs1451491060, ClinGen allele CA346691257.